The following is an entry in ClinVar:

ClinVar aggregate classification (germline): Uncertain significance (1 of 4 stars; one submission).

gnomAD v4.1: 31 of 1,613,780 alleles (0.0019%); highest among the groups gnomAD compares: Admixed American, 0.03%; no homozygotes.

Submission:

CeGaT Center for Human Genetics Tuebingen
Classification: Uncertain significance. Last evaluated: 2026-04-01. Review status: criteria provided, single submitter. Criteria: CeGaT Center For Human Genetics Tuebingen Variant Classification Criteria Version 2. Collection method: clinical testing. Allele origin: germline. Affected: yes. Observed: 1 variant allele.
Comment: VPS13D: PM2

NM_015378.4(VPS13D):c.2008G>T (p.Ala670Ser)

Gene: VPS13D (vacuolar protein sorting 13 homolog D; plus strand). Cytogenetic location: 1p36.22.
Variant type: single nucleotide variant.
Coding change: c.2008G>T on transcript NM_015378.4 (MANE Select); coding-DNA position 2008, G replaced by T.
Protein change: p.Ala670Ser; replaces alanine 670 with serine.
Molecular consequence: missense variant.
Genome position (GRCh38, 1-based): chr1:12,271,029, G>T. VCF-style: chr1-12271029-G-T. GRCh37 (hg19) VCF-style: chr1-12331086-G-T.
Other names: c.2008G>T, p.Ala670Ser (NM_018156.4); short protein forms A670S.
Identifiers: ClinVar variation 4873002 (VCV004873002.2).
Genomic context (GRCh38, chr1:12,271,029, plus strand): 5'-CTGCTGTGTATTTCCAACCTTGCAGGTTTTGGTTATCAGTCTGAACTTGAGCTGAGAGTG[G>T]CTGAAGCTGCCCGAAGACAATATAACAAGCTGAAGATGCAGACCAAGGCAGAAATCCGGC-3'
Protein context (NP_056193.2, residues 660-680): GYQSELELRV[Ala670Ser]EAARRQYNKL